The following is an entry in ClinVar:

ClinVar aggregate classification (germline): Uncertain significance (1 of 4 stars; one submission).

gnomAD v4.1: 28 of 1,613,998 alleles (0.0017%); highest among the groups gnomAD compares: African/African-American, 0.0053%; no homozygotes.

Submission:

Labcorp Genetics (formerly Invitae), Labcorp
Classification: Uncertain significance. Last evaluated: 2024-05-26. Review status: criteria provided, single submitter. Criteria: Invitae Variant Classification Sherloc (09022015). Collection method: clinical testing. Allele origin: germline.
Comment: This sequence change replaces arginine, which is basic and polar, with glutamine, which is neutral and polar, at codon 775 of the NUP133 protein (p.Arg775Gln). This variant is present in population databases (no rsID available, gnomAD 0.01%). This variant has not been reported in the literature in individuals affected with NUP133-related conditions. An algorithm developed to predict the effect of missense changes on protein structure and function (PolyPhen-2) suggests that this variant is likely to be disruptive. In summary, the available evidence is currently insufficient to determine the role of this variant in disease. Therefore, it has been classified as a Variant of Uncertain Significance.

NM_018230.3(NUP133):c.2324G>A (p.Arg775Gln)

Gene: NUP133 (nucleoporin 133; minus strand). Cytogenetic location: 1q42.13.
Variant type: single nucleotide variant.
Coding change: c.2324G>A on transcript NM_018230.3 (MANE Select); coding-DNA position 2324, G replaced by A.
Protein change: p.Arg775Gln; replaces arginine 775 with glutamine.
Molecular consequence: missense variant.
Genome position (GRCh38, 1-based): chr1:229,464,851, C>T on the plus strand (G>A on the coding strand, the complement: NUP133 is on the minus strand). VCF-style: chr1-229464851-C-T. GRCh37 (hg19) VCF-style: chr1-229600598-C-T.
Other names: short protein forms R775Q.
Identifiers: ClinVar variation 3713700 (VCV003713700.2).